The following is an entry in ClinVar:

NM_213655.5(WNK1):c.2285_2293dup (p.Phe764_Ala765insGluThrPhe)

Gene: WNK1 (WNK lysine deficient protein kinase 1; plus strand). Cytogenetic location: 12p13.33.
Variant type: Duplication.
Coding change: c.2285_2293dup on transcript NM_213655.5 (MANE Plus Clinical); coding-DNA positions 2285 to 2293, 9 bases duplicated (AAACTTTTG; older notation c.2285_2293dupAAACTTTTG).
Protein change: p.Phe764_Ala765insGluThrPhe.
Molecular consequence: inframe insertion. On other transcripts: intron variant (3).
Genome position (GRCh38, 1-based): chr12:865,255-865,263, AAACTTTTG duplicated; duplicating any 9 consecutive bases within chr12:865,254-865,263 gives the same sequence; the c. name uses the placement nearest the transcript's 3' end. VCF-style (leftmost placement, unchanged base first): chr12-865253-G-GGAAACTTTT. GRCh37 (hg19) VCF-style: chr12-974419-G-GGAAACTTTT.
Other names: c.2140-2611_2140-2603dup (NM_001184985.2); c.2139+2985_2139+2993dup (NM_018979.4, NM_014823.3).
Identifiers: ClinVar variation 2936341 (VCV002936341.3), dbSNP rs1951564694, ClinGen allele CA943955538.

ClinVar aggregate classification (germline): Uncertain significance (1 of 4 stars; one submission).

Conditions:
Neuropathy, hereditary sensory and autonomic, type 2A (HSAN2A). Also called: ACROOSTEOLYSIS, GIACCAI TYPE; ACROOSTEOLYSIS, NEUROGENIC; MORVAN DISEASE; NEUROPATHY, CONGENITAL SENSORY; NEUROPATHY, HEREDITARY SENSORY RADICULAR, AUTOSOMAL RECESSIVE; NEUROPATHY, HEREDITARY SENSORY, TYPE IIA. Identifiers: Orphanet 970, MedGen C2752089, MONDO:0024309, OMIM 201300.
Pseudohypoaldosteronism type 2C (PHA2C). Also called: Pseudohypoaldosteronism Type IIC. Identifiers: Orphanet 757, Orphanet 88940, MedGen C1840391, MONDO:0013778, OMIM 614492.

Submission:

Labcorp Genetics (formerly Invitae), Labcorp
Classification: Uncertain significance for Neuropathy, hereditary sensory and autonomic, type 2A; Pseudohypoaldosteronism type 2C. Last evaluated: 2025-08-16. Review status: criteria provided, single submitter. Criteria: Invitae Variant Classification Sherloc (09022015). Collection method: clinical testing. Allele origin: germline.
Comment: This variant, c.2285_2293dup, results in the insertion of 3 amino acid(s) of the WNK1 protein (p.Glu762_Phe764dup), but otherwise preserves the integrity of the reading frame. This variant is not present in population databases (gnomAD no frequency). This variant has not been reported in the literature in individuals affected with WNK1-related conditions. ClinVar contains an entry for this variant (Variation ID: 2936341). In summary, the available evidence is currently insufficient to determine the role of this variant in disease. Therefore, it has been classified as a Variant of Uncertain Significance.